The following is an entry in ClinVar:

ClinVar aggregate classification (germline): Likely benign (0 of 4 stars; one submission).

Conditions:
PCDHA9-related disorder. Also called: PCDHA9-related condition.

Allele frequency attached by ClinVar (database versions not stated): gnomAD exomes 0.00227; 1000 Genomes Project 30x 0.01015.
gnomAD v4.1: 4,268 of 1,587,382 alleles (0.27%); highest among the groups gnomAD compares: Middle Eastern, 0.96%; 465 homozygotes.

Submission:

PreventionGenetics, part of Exact Sciences
Classification: Likely benign for PCDHA9-related condition. Last evaluated: 2020-09-25. Review status: no assertion criteria provided. Collection method: clinical testing. Allele origin: germline.
Comment: This variant is classified as likely benign based on ACMG/AMP sequence variant interpretation guidelines (Richards et al. 2015 PMID: 25741868, with internal and published modifications).

NM_031857.2(PCDHA9):c.118G>A (p.Glu40Lys)

Genes: PCDHA1 (protocadherin alpha 1; plus strand), PCDHA2 (protocadherin alpha 2; plus strand), PCDHA3 (protocadherin alpha 3; plus strand), PCDHA4 (protocadherin alpha 4; plus strand), PCDHA5 (protocadherin alpha 5; plus strand) and 5 more. Cytogenetic location: 5q31.3.
Variant type: single nucleotide variant.
Coding change: c.118G>A on transcript NM_031857.2 (MANE Select); coding-DNA position 118, G replaced by A.
Protein change: p.Glu40Lys; replaces glutamic acid 40 with lysine.
Molecular consequence: missense variant. On other transcripts: intron variant (10).
Genome position (GRCh38, 1-based): chr5:140,848,613, G>A. VCF-style: chr5-140848613-G-A. GRCh37 (hg19) VCF-style: chr5-140228198-G-A.
Other names: c.118G>A, p.Glu40Lys (NM_014005.5); c.2394+59929G>A (NM_018900.4); c.1602+60721G>A (NM_031411.3); c.2388+51261G>A (NM_018905.3); c.2394+45022G>A (NM_018906.3); c.2385+39041G>A (NM_018907.4); c.2352+24486G>A (NM_018908.3); c.2394+18128G>A (NM_018909.4); and 3 more; short protein forms E40K.
Identifiers: ClinVar variation 3037760 (VCV003037760.2), dbSNP rs147099629, ClinGen allele CA3450136.
Genomic context (GRCh38, chr5:140,848,613, plus strand): 5'-ATCCTCGCAATGTGGGTGGTGGGGAGCGGCCAGCTCCACTACTCCGTCCCGGAGGAAGCC[G>A]AACACGGCACCTTCGTGGGCCGCATCGCGCAGGACCTGGGGCTGGAGCTGGCGGAGCTGG-3'
Protein context (NP_114063.1, residues 30-50): QLHYSVPEEA[Glu40Lys]HGTFVGRIAQ